The following is an entry in ClinVar:

NM_014862.4(ARNT2):c.125G>A (p.Arg42His)

Gene: ARNT2 (aryl hydrocarbon receptor nuclear translocator 2; plus strand). Cytogenetic location: 15q25.1.
Variant type: single nucleotide variant.
Coding change: c.125G>A on transcript NM_014862.4 (MANE Select); coding-DNA position 125, G replaced by A.
Protein change: p.Arg42His; replaces arginine 42 with histidine.
Molecular consequence: missense variant.
Genome position (GRCh38, 1-based): chr15:80,450,973, G>A. VCF-style: chr15-80450973-G-A. GRCh37 (hg19) VCF-style: chr15-80743314-G-A.
Other names: short protein forms R42H.
Identifiers: ClinVar variation 2066177 (VCV002066177.2), dbSNP rs750470628, ClinGen allele CA7691616.

ClinVar aggregate classification (germline): Uncertain significance (1 of 4 stars; one submission).

Submission:

Labcorp Genetics (formerly Invitae), Labcorp
Classification: Uncertain significance. Last evaluated: 2022-03-27. Review status: criteria provided, single submitter. Criteria: Invitae Variant Classification Sherloc (09022015). Collection method: clinical testing. Allele origin: germline.
Comment: This variant has not been reported in the literature in individuals affected with ARNT2-related conditions. This variant is present in population databases (rs750470628, gnomAD 0.005%). This sequence change replaces arginine, which is basic and polar, with histidine, which is basic and polar, at codon 42 of the ARNT2 protein (p.Arg42His). In summary, the available evidence is currently insufficient to determine the role of this variant in disease. Therefore, it has been classified as a Variant of Uncertain Significance. Algorithms developed to predict the effect of missense changes on protein structure and function are either unavailable or do not agree on the potential impact of this missense change (SIFT: "Tolerated"; PolyPhen-2: "Possibly Damaging"; Align-GVGD: "Class C0").